The following is an entry in ClinVar:

ClinVar aggregate classification (germline): Likely pathogenic (1 of 4 stars; one submission).

Conditions:
Thrombocytopenia 12 with or without myopathy (THC12). Identifiers: MedGen C5935593, MONDO:0958325, OMIM 620757.

Submission:

MVZ Martinsried, Medicover Genetics
Classification: Likely pathogenic for Thrombocytopenia 12 with or without myopathy. Last evaluated: 2025-11-12. Review status: criteria provided, single submitter. Criteria: ClinGen Variant Curation SOP V3.2 + Classification Guidance July2025. Collection method: clinical testing. Allele origin: inherited. Affected: yes. Observed: 1 heterozygote.

NM_005476.7(GNE):c.446C>G (p.Ala149Gly)

Gene: GNE (glucosamine (UDP-N-acetyl)-2-epimerase/N-acetylmannosamine kinase; minus strand). Cytogenetic location: 9p13.3.
Variant type: single nucleotide variant.
Coding change: c.446C>G on transcript NM_005476.7 (MANE Select); coding-DNA position 446, C replaced by G.
Protein change: p.Ala149Gly; replaces alanine 149 with glycine.
Molecular consequence: missense variant.
Genome position (GRCh38, 1-based): chr9:36,246,201, G>C on the plus strand (C>G on the coding strand, the complement: GNE is on the minus strand). VCF-style: chr9-36246201-G-C. GRCh37 (hg19) VCF-style: chr9-36246198-G-C.
Other names: c.539C>G, p.Ala180Gly (NM_001128227.3); c.446C>G, p.Ala149Gly (NM_001190383.3, NM_001374797.1); c.269C>G, p.Ala90Gly (NM_001190384.3, NM_001190388.2, NM_001374798.1); short protein forms A149G, A180G, A90G.
Identifiers: ClinVar variation 4795144 (VCV004795144.1).